The following is an entry in ClinVar:

NM_000701.8(ATP1A1):c.1018G>C (p.Val340Leu)

Gene: ATP1A1 (ATPase Na+/K+ transporting subunit alpha 1; plus strand). Cytogenetic location: 1p13.1.
Variant type: single nucleotide variant.
Coding change: c.1018G>C on transcript NM_000701.8 (MANE Select); coding-DNA position 1018, G replaced by C.
Protein change: p.Val340Leu; replaces valine 340 with leucine.
Molecular consequence: missense variant.
Genome position (GRCh38, 1-based): chr1:116,389,702, G>C. VCF-style: chr1-116389702-G-C. GRCh37 (hg19) VCF-style: chr1-116932324-G-C.
Other names: c.1018G>C, p.Val340Leu (NM_001160233.2); c.925G>C, p.Val309Leu (NM_001160234.2); short protein forms V309L, V340L.
Identifiers: ClinVar variation 1713699 (VCV001713699.5), dbSNP rs2525835236, ClinGen allele CA341844237.
Genomic context (GRCh38, chr1:116,389,702, plus strand): 5'-GCTGTCATCTTCCTCATCGGTATCATCGTAGCCAATGTGCCGGAAGGTTTGCTGGCCACT[G>C]TCACGGTAAGAGGCAGGTGATGGTCACCCTGACTCAGATCAGCTTGCACGAATGTTACAC-3'
Protein context (NP_000692.2, residues 330-350): ANVPEGLLAT[Val340Leu]TVCLTLTAKR

ClinVar aggregate classification (germline): Uncertain significance (1 of 4 stars; one submission).

Submission:

Labcorp Genetics (formerly Invitae), Labcorp
Classification: Uncertain significance. Last evaluated: 2022-07-24. Review status: criteria provided, single submitter. Criteria: Invitae Variant Classification Sherloc (09022015). Collection method: clinical testing. Allele origin: germline.
Comment: In summary, the available evidence is currently insufficient to determine the role of this variant in disease. Therefore, it has been classified as a Variant of Uncertain Significance. Advanced modeling of protein sequence and biophysical properties (such as structural, functional, and spatial information, amino acid conservation, physicochemical variation, residue mobility, and thermodynamic stability) performed at Invitae indicates that this missense variant is expected to disrupt ATP1A1 protein function. This variant has not been reported in the literature in individuals affected with ATP1A1-related conditions. This variant is not present in population databases (gnomAD no frequency). This sequence change replaces valine, which is neutral and non-polar, with leucine, which is neutral and non-polar, at codon 340 of the ATP1A1 protein (p.Val340Leu).